The following is an entry in ClinVar:

ClinVar aggregate classification (germline): Pathogenic (1 of 4 stars; one submission).

Conditions:
Lynch syndrome 4 (LYNCH4). Also called: Colorectal cancer, hereditary nonpolyposis, type 4; Hereditary non-polyposis colorectal cancer, type 4. Identifiers: Orphanet 144, MedGen C1838333, MONDO:0013699, OMIM 614337. Disease mechanism: loss of function.

Submission:

Myriad Genetics, Inc.
Classification: Pathogenic for Lynch syndrome 4. Last evaluated: 2024-06-12. Review status: criteria provided, single submitter. Criteria: Myriad Autosomal Dominant, Autosomal Recessive and X-Linked Classification Criteria (2023). Collection method: clinical testing. Allele origin: unknown.
Comment: This variant is considered pathogenic. This variant creates a frameshift predicted to result in premature protein truncation.

NM_000535.7(PMS2):c.2326_2327del (p.Trp776fs)

Gene: PMS2 (PMS1 homolog 2, mismatch repair system component; minus strand). Cytogenetic location: 7p22.1.
Variant type: Deletion.
Coding change: c.2326_2327del on transcript NM_000535.7 (MANE Select); coding-DNA positions 2326 to 2327, 2 bases deleted (TG; older notation c.2326_2327delTG).
Protein change: p.Trp776fs; shifts the reading frame from tryptophan 776.
Molecular consequence: frameshift variant. On other transcripts: non-coding transcript variant (1).
Genome position (GRCh38, 1-based): chr7:5,977,706-5,977,707, CA deleted on the plus strand (TG on the coding strand, the reverse complement: PMS2 is on the minus strand). VCF-style (leftmost placement, unchanged base first): chr7-5977705-CCA-C. GRCh37 (hg19) VCF-style: chr7-6017336-CCA-C.
Other names: c.1921_1922del, p.Trp641fs (NM_001322003.2, NM_001322004.2, NM_001322005.2 and 11 more transcripts); c.2170_2171del, p.Trp724fs (NM_001322006.2); c.2008_2009del, p.Trp670fs (NM_001322007.2, NM_001322008.2, NM_001406883.1); c.1954_1955del, p.Trp652fs (NM_001322009.2, NM_001406887.1, NM_001406888.1); c.1765_1766del, p.Trp589fs (NM_001322010.2, NM_001406906.1, NM_001406907.1); c.1393_1394del, p.Trp465fs (NM_001322011.2, NM_001322012.2); c.1753_1754del, p.Trp585fs (NM_001322013.2, NM_001406908.1, NM_001406909.1); c.2359_2360del, p.Trp787fs (NM_001322014.2); and 20 more; short protein forms W375fs, W465fs, W519fs, W537fs, W585fs, W589fs, W605fs, W614fs.
Identifiers: ClinVar variation 3254261 (VCV003254261.1), dbSNP rs2535332090.